The following is an entry in ClinVar:

NM_002473.6(MYH9):c.5151-5C>T

Gene: MYH9 (myosin heavy chain 9; minus strand). Cytogenetic location: 22q12.3.
Variant type: single nucleotide variant.
Coding change: c.5151-5C>T on transcript NM_002473.6 (MANE Select); 5 bases into the intron before coding-DNA position 5151, C replaced by T.
Molecular consequence: intron variant.
Genome position (GRCh38, 1-based): chr22:36,285,786, G>A on the plus strand (C>T on the coding strand, the complement: MYH9 is on the minus strand). VCF-style: chr22-36285786-G-A. GRCh37 (hg19) VCF-style: chr22-36681832-G-A.
Other names: c.5151-5C>T (NM_002473.5).
Identifiers: ClinVar variation 500432 (VCV000500432.14), dbSNP rs762613036, ClinGen allele CA10209134.
Genomic context (GRCh38, chr22:36,285,786, plus strand): 5'-CCTCCAGCTGGGCGATGCGGGCCTCCAGACGCCGCTTCTCCTCTAACGCCAGGGCTCTGC[G>A]GGGTGGGCGGGAGAAGTGAGGGGCCTACCCTGGGGACACACCTGGTCCCCCCCAACTCTG-3'

ClinVar aggregate classification (germline): Conflicting classifications of pathogenicity. Review status: criteria provided, conflicting classifications (1 of 4 stars). 3 submissions from 3 submitters: Uncertain significance (1); Likely benign (1). 1 of the submissions does not count toward it. Last evaluated 2025-12-01.

Conditions:
MYH9-related disorder. Identifiers: MedGen C1854520.

Allele frequency attached by ClinVar (database versions not stated): gnomAD 0.00001; gnomAD exomes 0.00003 and 0.00006; ExAC 0.00005; TOPMed 0.00007.
gnomAD v4.1: 42 of 1,609,042 alleles (0.0026%); highest among the groups gnomAD compares: Admixed American, 0.02%; 1 homozygote.

Submissions (3):

Labcorp Genetics (formerly Invitae), Labcorp
Classification: Likely benign. Last evaluated: 2025-12-01. Review status: criteria provided, single submitter. Criteria: Invitae Variant Classification Sherloc (09022015). Collection method: clinical testing. Allele origin: germline.

Eurofins Ntd Llc (ga)
Classification: Uncertain significance. Last evaluated: 2017-02-27. Review status: criteria provided, single submitter. Criteria: EGL Classification Definitions 2015. Collection method: clinical testing. Allele origin: germline. Observed: 1 variant allele, 1 heterozygote.

PreventionGenetics, part of Exact Sciences
Classification: Likely benign for MYH9-related condition. Last evaluated: 2023-09-19. Review status: no assertion criteria provided. Collection method: clinical testing. Allele origin: germline. Not counted in ClinVar's aggregate classification.
Comment: This variant is classified as likely benign based on ACMG/AMP sequence variant interpretation guidelines (Richards et al. 2015 PMID: 25741868, with internal and published modifications).